The following is an entry in ClinVar:

ClinVar aggregate classification (germline): Uncertain significance. Review status: criteria provided, multiple submitters, no conflicts (2 of 4 stars). 2 submissions from 2 submitters: Uncertain significance (2). Last evaluated 2024-07-05.

Conditions:
Cardiovascular phenotype. Identifiers: MedGen CN230736.

Allele frequency attached by ClinVar (database versions not stated): gnomAD 0.00002; TOPMed 0.00002.
gnomAD v4.1: 11 of 1,612,052 alleles (0.00068%); highest among the groups gnomAD compares: African/African-American, 0.0067%; no homozygotes.

Submissions (2):

GeneDx
Classification: Uncertain significance. Last evaluated: 2024-07-05. Review status: criteria provided, single submitter. Criteria: GeneDx Variant Classification Process June 2021. Collection method: clinical testing. Allele origin: germline. Affected: yes.
Comment: Has not been previously published as pathogenic or benign to our knowledge; Not observed at significant frequency in large population cohorts (gnomAD); In silico analysis supports that this missense variant has a deleterious effect on protein structure/function

Ambry Genetics
Classification: Uncertain significance for Cardiovascular phenotype. Last evaluated: 2022-02-20. Review status: criteria provided, single submitter. Criteria: Ambry Variant Classification Scheme 2023. Collection method: clinical testing. Allele origin: germline.
Comment: The p.R1735C variant (also known as c.5203C>T), located in coding exon 13 of the TNXB gene, results from a C to T substitution at nucleotide position 5203. The arginine at codon 1735 is replaced by cysteine, an amino acid with highly dissimilar properties. This amino acid position is conserved. In addition, this alteration is predicted to be tolerated by in silico analysis. Since supporting evidence is limited at this time, the clinical significance of this alteration remains unclear.

NM_001365276.2(TNXB):c.5203C>T (p.Arg1735Cys)

Gene: TNXB (tenascin XB; minus strand). Cytogenetic location: 6p21.33.
Variant type: single nucleotide variant.
Coding change: c.5203C>T on transcript NM_001365276.2 (MANE Select); coding-DNA position 5203, C replaced by T.
Protein change: p.Arg1735Cys; replaces arginine 1735 with cysteine.
Molecular consequence: missense variant.
Genome position (GRCh38, 1-based): chr6:32,070,202, G>A on the plus strand (C>T on the coding strand, the complement: TNXB is on the minus strand). VCF-style: chr6-32070202-G-A. GRCh37 (hg19) VCF-style: chr6-32037979-G-A.
Other names: c.5203C>T, p.Arg1735Cys (NM_019105.8); short protein forms R1735C.
Identifiers: ClinVar variation 1746046 (VCV001746046.3), dbSNP rs765827583, ClinGen allele CA3734768.
Genomic context (GRCh38, chr6:32,070,202, plus strand): 5'-CAGTGAGAGGGCCATGGCGCTTCTTGCCCAGGAGGCCATAGAGGAGGAATCTGTACTTGC[G>A]GCCGGCATCCAGAGGGGTGACAGTGACAGAGCGCTCATGGCCCTCCACGGGCACCACCTG-3'
Protein context (NP_001352205.1, residues 1725-1745): SVTVTPLDAG[Arg1735Cys]KYRFLLYGLL